The following is an entry in ClinVar:

ClinVar aggregate classification (germline): Uncertain significance (1 of 4 stars; one submission).

Conditions:
Cardiovascular phenotype. Identifiers: MedGen CN230736.

Submission:

Ambry Genetics
Classification: Uncertain significance for Cardiovascular phenotype. Last evaluated: 2026-04-07. Review status: criteria provided, single submitter. Criteria: Ambry Variant Classification Scheme 2023. Collection method: clinical testing. Allele origin: germline.
Comment: The c.11788_11790delTCAinsCCG variant (also known as p.S3930P), located in coding exon 18 of the ALMS1 gene, results from an in-frame deletion of TCA and insertion of CCG at nucleotide positions 11788 to 11790. This results in the substitution of the serine residue for a proline residue at codon 3930, an amino acid with similar properties. This amino acid position is well conserved in available vertebrate species. In addition, this variant is predicted to be neutral by in silico analysis (Choi Y et al. PLoS ONE. 2012; 7(10):e46688). Based on the available evidence, the clinical significance of this variant remains unclear.

NM_001378454.1(ALMS1):c.11785_11787delinsCCG (p.Ser3929Pro)

Gene: ALMS1 (ALMS1 centrosome and basal body associated protein; plus strand). Cytogenetic location: 2p13.1.
Variant type: Indel.
Coding change: c.11785_11787delinsCCG on transcript NM_001378454.1 (MANE Select); coding-DNA positions 11785 to 11787, TCA replaced by CCG.
Protein change: p.Ser3929Pro; replaces serine 3929 with proline.
Molecular consequence: missense variant.
Genome position (GRCh38, 1-based): chr2:73,600,794-73,600,796, TCA replaced by CCG. VCF-style: chr2-73600794-TCA-CCG. GRCh37 (hg19) VCF-style: chr2-73827921-TCA-CCG.
Other names: c.11788_11790delinsCCG, p.Ser3930Pro (NM_015120.4); c.11788_11790delTCAinsCCG (NM_015120.4); short protein forms S3929P, S3930P.
Identifiers: ClinVar variation 4870770 (VCV004870770.1).